The following is an entry in ClinVar:

NM_001244008.2(KIF1A):c.2077C>A (p.Pro693Thr)

Gene: KIF1A (kinesin family member 1A; minus strand). Cytogenetic location: 2q37.3.
Variant type: single nucleotide variant.
Coding change: c.2077C>A on transcript NM_001244008.2 (MANE Select); coding-DNA position 2077, C replaced by A.
Protein change: p.Pro693Thr; replaces proline 693 with threonine.
Molecular consequence: missense variant.
Genome position (GRCh38, 1-based): chr2:240,762,758, G>T on the plus strand (C>A on the coding strand, the complement: KIF1A is on the minus strand). VCF-style: chr2-240762758-G-T. GRCh37 (hg19) VCF-style: chr2-241702175-G-T.
Other names: c.2050C>A, p.Pro684Thr (NM_001379640.1, NM_001379641.1, NM_001379642.1 and 11 more transcripts); c.2152C>A, p.Pro718Thr (NM_001379646.1, NM_001330290.2, NM_001379631.1 and 2 more transcripts); c.2125C>A, p.Pro709Thr (NM_001379648.1, NM_001379637.1); c.2077C>A, p.Pro693Thr (NM_001320705.2, NM_001330289.2, NM_001379638.1); short protein forms P684T, P693T, P709T, P718T.
Identifiers: ClinVar variation 1879528 (VCV001879528.31), dbSNP rs1222204049, ClinGen allele CA351326218.

ClinVar aggregate classification (germline): Uncertain significance. Review status: criteria provided, multiple submitters, no conflicts (2 of 4 stars). 2 submissions from 2 submitters: Uncertain significance (2). Last evaluated 2024-11-13.

Conditions:
Hereditary spastic paraplegia 30. Identifiers: Orphanet 101010, MedGen C5235139, MONDO:0012476.
Intellectual disability, autosomal dominant 9 (NESCAVS). Also called: KIF1A-Related Neurodevelopmental Disorder; NESCAV SYNDROME. Identifiers: Orphanet 662367, MedGen C5393830, MONDO:0013656, OMIM 614255.
Neuropathy, hereditary sensory, type 2C. Also called: KIF1A-Related HSAN2 (HSAN2C); Hereditary sensory and autonomic neuropathy type IIC. Identifiers: Orphanet 970, MedGen C3280168, MONDO:0013634, OMIM 614213.

Submissions (2):

Labcorp Genetics (formerly Invitae), Labcorp
Classification: Uncertain significance for Hereditary spastic paraplegia 30; Neuropathy, hereditary sensory, type 2C; Intellectual disability, autosomal dominant 9. Last evaluated: 2024-11-13. Review status: criteria provided, single submitter. Criteria: Invitae Variant Classification Sherloc (09022015). Collection method: clinical testing. Allele origin: germline.
Comment: This sequence change replaces proline, which is neutral and non-polar, with threonine, which is neutral and polar, at codon 684 of the KIF1A protein (p.Pro684Thr). The frequency data for this variant in the population databases is considered unreliable, as metrics indicate poor data quality at this position in the gnomAD database. This variant has not been reported in the literature in individuals affected with KIF1A-related conditions. ClinVar contains an entry for this variant (Variation ID: 1879528). Invitae Evidence Modeling of protein sequence and biophysical properties (such as structural, functional, and spatial information, amino acid conservation, physicochemical variation, residue mobility, and thermodynamic stability) has been performed for this missense variant. However, the output from this modeling did not meet the statistical confidence thresholds required to predict the impact of this variant on KIF1A protein function. In summary, the available evidence is currently insufficient to determine the role of this variant in disease. Therefore, it has been classified as a Variant of Uncertain Significance.

CeGaT Center for Human Genetics Tuebingen
Classification: Uncertain significance. Last evaluated: 2022-12-01. Review status: criteria provided, single submitter. Criteria: CeGaT Center For Human Genetics Tuebingen Variant Classification Criteria Version 2. Collection method: clinical testing. Allele origin: germline. Affected: yes. Observed: 1 variant allele.
Comment: KIF1A: PP2, BP4